The following is an entry in ClinVar:

ClinVar aggregate classification (germline): Uncertain significance (1 of 4 stars; one submission).

Conditions:
Cohen syndrome (COH1). Also called: PEPPER SYNDROME; Cutis verticis gyrata, retinitis pigmentosa, and sensorineural deafness. Identifiers: Orphanet 193, MedGen C0265223, MONDO:0008999, OMIM 216550.

Submission:

Labcorp Genetics (formerly Invitae), Labcorp
Classification: Uncertain significance for Cohen syndrome. Last evaluated: 2022-07-12. Review status: criteria provided, single submitter. Criteria: Invitae Variant Classification Sherloc (09022015). Collection method: clinical testing. Allele origin: germline.
Comment: ClinVar contains an entry for this variant (Variation ID: 1354634). This sequence change replaces glutamic acid, which is acidic and polar, with valine, which is neutral and non-polar, at codon 1470 of the VPS13B protein (p.Glu1470Val). This variant is not present in population databases (gnomAD no frequency). This variant has not been reported in the literature in individuals affected with VPS13B-related conditions. Algorithms developed to predict the effect of missense changes on protein structure and function are either unavailable or do not agree on the potential impact of this missense change (SIFT: "Not Available"; PolyPhen-2: "Probably Damaging"; Align-GVGD: "Not Available"). Algorithms developed to predict the effect of sequence changes on RNA splicing suggest that this variant may create or strengthen a splice site. In summary, the available evidence is currently insufficient to determine the role of this variant in disease. Therefore, it has been classified as a Variant of Uncertain Significance.

NM_152564.5(VPS13B):c.4334A>T (p.Glu1445Val)

Gene: VPS13B (vacuolar protein sorting 13 homolog B; plus strand). Cytogenetic location: 8q22.2.
Variant type: single nucleotide variant.
Coding change: c.4334A>T on transcript NM_152564.5 (MANE Select); coding-DNA position 4334, A replaced by T.
Protein change: p.Glu1445Val; replaces glutamic acid 1445 with valine.
Molecular consequence: missense variant.
Genome position (GRCh38, 1-based): chr8:99,511,213, A>T. VCF-style: chr8-99511213-A-T. GRCh37 (hg19) VCF-style: chr8-100523441-A-T.
Other names: c.4409A>T, p.Glu1470Val (NM_017890.5); short protein forms E1445V, E1470V.
Identifiers: ClinVar variation 1354634 (VCV001354634.7), dbSNP rs2133637370, ClinGen allele CA371871402.